The following is an entry in ClinVar:

NM_001365276.2(TNXB):c.10583C>T (p.Pro3528Leu)

Gene: TNXB (tenascin XB; minus strand). Cytogenetic location: 6p21.33.
Variant type: single nucleotide variant.
Coding change: c.10583C>T on transcript NM_001365276.2 (MANE Select); coding-DNA position 10583, C replaced by T.
Protein change: p.Pro3528Leu; replaces proline 3528 with leucine.
Molecular consequence: missense variant.
Genome position (GRCh38, 1-based): chr6:32,046,198, G>A on the plus strand (C>T on the coding strand, the complement: TNXB is on the minus strand). VCF-style: chr6-32046198-G-A. GRCh37 (hg19) VCF-style: chr6-32013975-G-A.
Other names: p.Pro3526Leu; c.10577C>T, p.Pro3526Leu (NM_019105.8); short protein forms P3526L, P3528L.
Identifiers: ClinVar variation 1190982 (VCV001190982.8), dbSNP rs201589523, ClinGen allele CA3733191.

ClinVar aggregate classification (germline): Benign/Likely benign. Review status: criteria provided, multiple submitters, no conflicts (2 of 4 stars). 6 submissions from 6 submitters: Benign (3); Likely benign (3). Last evaluated 2026-07-01.

Conditions:
Cardiovascular phenotype. Identifiers: MedGen CN230736.

Allele frequency attached by ClinVar (database versions not stated): gnomAD exomes 0.00118; ExAC 0.00139; gnomAD 0.00452 and 0.00472; ESP Exome Variant Server 0.00525; TOPMed 0.00551; 1000 Genomes Project 0.00559; 1000 Genomes Project 30x 0.00687.
gnomAD v4.1: 1,242 of 1,588,456 alleles (0.078%); highest among the groups gnomAD compares: African/African-American, 1.3%; 12 homozygotes.

Submissions (6):

CeGaT Center for Human Genetics Tuebingen
Classification: Benign. Last evaluated: 2026-07-01. Review status: criteria provided, single submitter. Criteria: CeGaT Center For Human Genetics Tuebingen Variant Classification Criteria Version 2. Collection method: clinical testing. Allele origin: germline. Affected: yes. Observed: 1 variant allele.
Comment: TNXB: BP4, BS1, BS2

Women's Health and Genetics/Laboratory Corporation of America, LabCorp
Classification: Likely benign. Last evaluated: 2026-03-31. Review status: criteria provided, single submitter. Criteria: LabCorp Variant Classification Summary - May 2015. Collection method: clinical testing. Allele origin: germline.

Labcorp Genetics (formerly Invitae), Labcorp
Classification: Benign. Last evaluated: 2026-01-25. Review status: criteria provided, single submitter. Criteria: Invitae Variant Classification Sherloc (09022015). Collection method: clinical testing. Allele origin: germline.

Mayo Clinic Laboratories, Mayo Clinic
Classification: Benign. Last evaluated: 2025-06-03. Review status: criteria provided, single submitter. Criteria: ACMG Guidelines, 2015. Collection method: clinical testing. Allele origin: germline. Observed: 2 variant alleles.
Comment: BS1, BS2, BP4_moderate

GeneDx
Classification: Likely benign. Last evaluated: 2021-04-07. Review status: criteria provided, single submitter. Criteria: GeneDx Variant Classification Process June 2021. Collection method: clinical testing. Allele origin: germline. Affected: yes.

Ambry Genetics
Classification: Likely benign for Cardiovascular phenotype. Last evaluated: 2019-07-05. Review status: criteria provided, single submitter. Criteria: Ambry Variant Classification Scheme 2023. Collection method: clinical testing. Allele origin: germline.